The following is an entry in ClinVar:

NM_021620.4(PRDM13):c.1226C>T (p.Pro409Leu)

Gene: PRDM13 (PR/SET domain 13; plus strand). Cytogenetic location: 6q16.2.
Variant type: single nucleotide variant.
Coding change: c.1226C>T on transcript NM_021620.4 (MANE Select); coding-DNA position 1226, C replaced by T.
Protein change: p.Pro409Leu; replaces proline 409 with leucine.
Molecular consequence: missense variant.
Genome position (GRCh38, 1-based): chr6:99,613,861, C>T. VCF-style: chr6-99613861-C-T. GRCh37 (hg19) VCF-style: chr6-100061737-C-T.
Other names: short protein forms P409L.
Identifiers: ClinVar variation 965388 (VCV000965388.11), dbSNP rs982635235, ClinGen allele CA365117966.

ClinVar aggregate classification (germline): Uncertain significance. Review status: criteria provided, multiple submitters, no conflicts (2 of 4 stars). 2 submissions from 2 submitters: Uncertain significance (2). Last evaluated 2024-09-03.

Conditions:
Inborn genetic diseases. Identifiers: MedGen C0950123, MeSH D030342.

Allele frequency attached by ClinVar (database versions not stated): TOPMed 0.00002.
gnomAD v4.1: 38 of 1,507,646 alleles (0.0025%); highest among the groups gnomAD compares: Non-Finnish European, 0.0032%; no homozygotes.

Submissions (2):

Ambry Genetics
Classification: Uncertain significance for Inborn genetic diseases. Last evaluated: 2024-09-03. Review status: criteria provided, single submitter. Criteria: Ambry Variant Classification Scheme 2023. Collection method: clinical testing. Allele origin: germline.

Labcorp Genetics (formerly Invitae), Labcorp
Classification: Uncertain significance. Last evaluated: 2022-08-23. Review status: criteria provided, single submitter. Criteria: Invitae Variant Classification Sherloc (09022015). Collection method: clinical testing. Allele origin: germline.
Comment: This variant has not been reported in the literature in individuals affected with PRDM13-related conditions. The frequency data for this variant in the population databases is considered unreliable, as metrics indicate poor data quality at this position in the gnomAD database. This sequence change replaces proline, which is neutral and non-polar, with leucine, which is neutral and non-polar, at codon 409 of the PRDM13 protein (p.Pro409Leu). ClinVar contains an entry for this variant (Variation ID: 965388). In summary, the available evidence is currently insufficient to determine the role of this variant in disease. Therefore, it has been classified as a Variant of Uncertain Significance. Algorithms developed to predict the effect of missense changes on protein structure and function (SIFT, PolyPhen-2, Align-GVGD) all suggest that this variant is likely to be tolerated.